The following is an entry in ClinVar:

ClinVar aggregate classification (germline): Uncertain significance (1 of 4 stars; one submission).

Conditions:
Wiedemann-Steiner syndrome (WDSTS). Also called: Growth deficiency and mental retardation with facial dysmorphism. Identifiers: Orphanet 319182, MedGen C1854630, MONDO:0011518, OMIM 605130.

Submission:

Victorian Clinical Genetics Services, Murdoch Childrens Research Institute
Classification: Uncertain significance for Wiedemann-Steiner syndrome. Last evaluated: 2022-02-02. Review status: criteria provided, single submitter. Criteria: ACMG Guidelines, 2015. Collection method: clinical testing. Allele origin: germline. Inheritance: Autosomal dominant inheritance.
Comment: Based on the classification scheme VCGS_Germline_v1.3.4, this variant is classified as VUS-3B. Following criteria are met: 0102 - Loss of function is a known mechanism of disease in this gene and is associated with Wiedemann-Steiner syndrome (MIM#605130). (I) 0107 - This gene is associated with autosomal dominant disease. (I) 0200 - Variant is predicted to result in a missense amino acid change from isoleucine to threonine. (I) 0251 - This variant is heterozygous. (I) 0301 - Variant is absent from gnomAD (both v2 and v3). (SP) 0502 - Missense variant with conflicting in silico predictions and uninformative conservation. (I) 0604 - Variant is not located in an established domain, motif, hotspot or informative constraint region. (I) 0705 - No comparable missense variants have previous evidence for pathogenicity. (I) 0807 - This variant has no previous evidence of pathogenicity. (I) 0905 - No published segregation evidence has been identified for this variant. (I) 1007 - No published functional evidence has been identified for this variant. (I) 1208 - Inheritance information for this variant is not currently available in this individual. (I) Legend: (SP) - Supporting pathogenic, (I) - Information, (SB) - Supporting benign

NM_001197104.2(KMT2A):c.1082T>C (p.Ile361Thr)

Gene: KMT2A (lysine methyltransferase 2A; plus strand). Cytogenetic location: 11q23.3.
Variant type: single nucleotide variant.
Coding change: c.1082T>C on transcript NM_001197104.2 (MANE Select); coding-DNA position 1082, T replaced by C.
Protein change: p.Ile361Thr; replaces isoleucine 361 with threonine.
Molecular consequence: missense variant.
Genome position (GRCh38, 1-based): chr11:118,472,241, T>C. VCF-style: chr11-118472241-T-C. GRCh37 (hg19) VCF-style: chr11-118342956-T-C.
Other names: c.1181T>C, p.Ile394Thr (NM_001412597.1); c.1082T>C, p.Ile361Thr (NM_005933.4); short protein forms I361T, I394T.
Identifiers: ClinVar variation 1805155 (VCV001805155.1), dbSNP rs2496795957, ClinGen allele CA382809114.